The following is an entry in ClinVar:

ClinVar aggregate classification (germline): Uncertain significance. Review status: criteria provided, multiple submitters, no conflicts (2 of 4 stars). 4 submissions from 4 submitters: Uncertain significance (4). Last evaluated 2025-03-03.

Conditions:
Inborn genetic diseases. Identifiers: MedGen C0950123, MeSH D030342.
Acrocallosal syndrome (ACLS). Also called: Schinzel syndrome 1; Absence of corpus callosum with unusual facial appearance, mental deficiency, duplication of the halluces and polydactyly; HALLUX DUPLICATION, POSTAXIAL POLYDACTYLY, AND ABSENCE OF CORPUS CALLOSUM. Identifiers: Orphanet 36, MedGen C0796147, MONDO:0008708, OMIM 200990.

Allele frequency attached by ClinVar (database versions not stated): 1000 Genomes Project 30x 0.00016.
gnomAD v4.1: 65 of 1,609,604 alleles (0.004%); highest among the groups gnomAD compares: African/African-American, 0.085%; no homozygotes.

Submissions (4):

Labcorp Genetics (formerly Invitae), Labcorp
Classification: Uncertain significance for Acrocallosal syndrome. Last evaluated: 2025-03-03. Review status: criteria provided, single submitter. Criteria: Invitae Variant Classification Sherloc (09022015). Collection method: clinical testing. Allele origin: germline.
Comment: This sequence change replaces arginine, which is basic and polar, with glycine, which is neutral and non-polar, at codon 746 of the KIF7 protein (p.Arg746Gly). This variant is present in population databases (rs141867330, gnomAD 0.07%). This variant has not been reported in the literature in individuals affected with KIF7-related conditions. ClinVar contains an entry for this variant (Variation ID: 1414784). Invitae Evidence Modeling of protein sequence and biophysical properties (such as structural, functional, and spatial information, amino acid conservation, physicochemical variation, residue mobility, and thermodynamic stability) indicates that this missense variant is not expected to disrupt KIF7 protein function with a negative predictive value of 80%. In summary, the available evidence is currently insufficient to determine the role of this variant in disease. Therefore, it has been classified as a Variant of Uncertain Significance.

Ambry Genetics
Classification: Uncertain significance for Inborn genetic diseases. Last evaluated: 2025-01-04. Review status: criteria provided, single submitter. Criteria: Ambry Variant Classification Scheme 2023. Collection method: clinical testing. Allele origin: germline.

GeneDx
Classification: Uncertain significance. Last evaluated: 2024-11-15. Review status: criteria provided, single submitter. Criteria: GeneDx Variant Classification Process June 2021. Collection method: clinical testing. Allele origin: germline. Affected: yes.
Comment: In silico analysis indicates that this missense variant does not alter protein structure/function; Has not been previously published as pathogenic or benign to our knowledge

Blueprint Genetics
Classification: Uncertain significance. Last evaluated: 2023-10-19. Review status: criteria provided, single submitter. Criteria: ACMG Guidelines, 2015. Collection method: clinical testing. Allele origin: germline.

NM_198525.3(KIF7):c.2236C>G (p.Arg746Gly)

Gene: KIF7 (kinesin family member 7; minus strand). Cytogenetic location: 15q26.1.
Variant type: single nucleotide variant.
Coding change: c.2236C>G on transcript NM_198525.3 (MANE Select); coding-DNA position 2236, C replaced by G.
Protein change: p.Arg746Gly; replaces arginine 746 with glycine.
Molecular consequence: missense variant.
Genome position (GRCh38, 1-based): chr15:89,642,361, G>C on the plus strand (C>G on the coding strand, the complement: KIF7 is on the minus strand). VCF-style: chr15-89642361-G-C. GRCh37 (hg19) VCF-style: chr15-90185592-G-C.
Other names: c.2236C>G (NM_198525.2); short protein forms R746G.
Identifiers: ClinVar variation 1414784 (VCV001414784.9), dbSNP rs141867330, ClinGen allele CA7728262.
Genomic context (GRCh38, chr15:89,642,361, plus strand): 5'-GCTGCCTCTGGCCTTCACTCAGCTCGGCCCGCACCTGCTCTGCCTCCTGCTCCAGCTCCC[G>C]GATACGCTGGCTGTGCTGGCGGTTCAGGGCCTGAGCTGCCTTTCCTGGAAGAAAGCGGGA-3'
Protein context (NP_940927.2, residues 736-756): ALNRQHSQRI[Arg746Gly]ELEQEAEQVR